The following is an entry in ClinVar:

NM_000520.6(HEXA):c.144C>A (p.Tyr48Ter)

Gene: HEXA (hexosaminidase subunit alpha; minus strand). Cytogenetic location: 15q23.
Variant type: single nucleotide variant.
Coding change: c.144C>A on transcript NM_000520.6 (MANE Select); coding-DNA position 144, C replaced by A.
Protein change: p.Tyr48Ter; replaces tyrosine 48 with a stop codon.
Molecular consequence: nonsense. On other transcripts: non-coding transcript variant (1).
Genome position (GRCh38, 1-based): chr15:72,375,829, G>T on the plus strand (C>A on the coding strand, the complement: HEXA is on the minus strand). VCF-style: chr15-72375829-G-T. GRCh37 (hg19) VCF-style: chr15-72668170-G-T.
Other names: c.144C>A, p.Tyr48Ter (NM_001318825.2); short protein forms Y48*.
Identifiers: ClinVar variation 3382201 (VCV003382201.2).

ClinVar aggregate classification (germline): Likely pathogenic (1 of 4 stars; one submission).

Conditions:
Tay-Sachs disease (TSD). Also called: HEXA DEFICIENCY; GM2 gangliosidosis, type 1; Hexosaminidase alpha-subunit deficiency (variant B); Sphingolipidosis, Tay-Sachs; Hexosaminidase A Deficiency; HEXA Disorders. Identifiers: Orphanet 845, MedGen C0039373, MONDO:0010100, OMIM 272800.

Submission:

Juno Genomics, Hangzhou Juno Genomics, Inc
Classification: Likely pathogenic for Tay-Sachs disease. Review status: criteria provided, single submitter. Criteria: ACMG Guidelines, 2015. Collection method: clinical testing. Allele origin: germline. Affected: yes.
Comment: Absent from controls (or at extremely low frequency if recessive) in Genome Aggregation Database, Exome Sequencing Project, 1000 Genomes Project, or Exome Aggregation Consortium.;Null variant in a gene where loss of function (LOF) is a known mechanism of disease.